The following is an entry in ClinVar:

ClinVar aggregate classification (germline): Pathogenic (1 of 4 stars; one submission).

Submission:

Labcorp Genetics (formerly Invitae), Labcorp
Classification: Pathogenic. Last evaluated: 2023-07-16. Review status: criteria provided, single submitter. Criteria: Invitae Variant Classification Sherloc (09022015). Collection method: clinical testing. Allele origin: germline.
Comment: This variant has not been reported in the literature in individuals affected with LIFR-related conditions. This variant is not present in population databases (gnomAD no frequency). This sequence change creates a premature translational stop signal (p.Tyr762*) in the LIFR gene. It is expected to result in an absent or disrupted protein product. Loss-of-function variants in LIFR are known to be pathogenic (PMID: 14740318). For these reasons, this variant has been classified as Pathogenic.

Literature cited by the submitters: PubMed 14740318.

NM_001127671.2(LIFR):c.2286C>G (p.Tyr762Ter)

Gene: LIFR (LIF receptor subunit alpha; minus strand). Cytogenetic location: 5p13.1.
Variant type: single nucleotide variant.
Coding change: c.2286C>G on transcript NM_001127671.2 (MANE Select); coding-DNA position 2286, C replaced by G.
Protein change: p.Tyr762Ter; replaces tyrosine 762 with a stop codon.
Molecular consequence: nonsense.
Genome position (GRCh38, 1-based): chr5:38,489,127, G>C on the plus strand (C>G on the coding strand, the complement: LIFR is on the minus strand). VCF-style: chr5-38489127-G-C. GRCh37 (hg19) VCF-style: chr5-38489229-G-C.
Other names: c.2286C>G, p.Tyr762Ter (NM_001364297.2, NM_001364298.2, NM_002310.6); short protein forms Y762*.
Identifiers: ClinVar variation 2743617 (VCV002743617.3), dbSNP rs2530967894, ClinGen allele CA359537078.